The following is an entry in ClinVar:

NM_000535.7(PMS2):c.2175-5T>C

Gene: PMS2 (PMS1 homolog 2, mismatch repair system component; minus strand). Cytogenetic location: 7p22.1.
Variant type: single nucleotide variant.
Coding change: c.2175-5T>C on transcript NM_000535.7 (MANE Select); 5 bases into the intron before coding-DNA position 2175, T replaced by C.
Molecular consequence: intron variant.
Genome position (GRCh38, 1-based): chr7:5,978,701, A>G on the plus strand (T>C on the coding strand, the complement: PMS2 is on the minus strand). VCF-style: chr7-5978701-A-G. GRCh37 (hg19) VCF-style: chr7-6018332-A-G.
Other names: c.1857-5T>C (NM_001322008.2, NM_001322007.2); c.1614-5T>C (NM_001322010.2); c.1770-5T>C (NM_001322004.2, NM_001322003.2, NM_001322009.2 and 1 more transcripts); c.1602-5T>C (NM_001322013.2); c.1242-5T>C (NM_001322012.2, NM_001322011.2); c.1866-5T>C (NM_001322015.2); c.2019-5T>C (NM_001322006.2); c.2175-5T>C (NM_001322014.2).
Identifiers: ClinVar variation 796513 (VCV000796513.14), dbSNP rs1583286414, ClinGen allele CA915944858.

ClinVar aggregate classification (germline): Conflicting classifications of pathogenicity. Review status: criteria provided, conflicting classifications (1 of 4 stars). 3 submissions from 3 submitters: Uncertain significance (1); Likely benign (2). Last evaluated 2025-02-03.

Conditions:
Lynch syndrome 4 (LYNCH4). Also called: Hereditary non-polyposis colorectal cancer, type 4; Colorectal cancer, hereditary nonpolyposis, type 4. Identifiers: Orphanet 144, MedGen C1838333, MONDO:0013699, OMIM 614337. Disease mechanism: loss of function.
Hereditary nonpolyposis colorectal neoplasms. Identifiers: MedGen C0009405, MeSH D003123.
Hereditary cancer-predisposing syndrome. Also called: Neoplastic Syndromes, Hereditary; Hereditary neoplastic syndrome; Tumor predisposition; Hereditary Cancer Syndrome. Identifiers: Orphanet 140162, MedGen C0027672, MeSH D009386, MONDO:0015356.

Submissions (3):

Myriad Genetics, Inc.
Classification: Likely benign for Lynch syndrome 4. Last evaluated: 2025-02-03. Review status: criteria provided, single submitter. Criteria: Myriad Autosomal Dominant, Autosomal Recessive and X-Linked Classification Criteria (2023). Collection method: clinical testing. Allele origin: unknown.
Comment: This variant is considered likely benign. This variant is intronic and is not expected to impact mRNA splicing.

Labcorp Genetics (formerly Invitae), Labcorp
Classification: Likely benign for Hereditary nonpolyposis colorectal neoplasms. Last evaluated: 2024-08-13. Review status: criteria provided, single submitter. Criteria: Invitae Variant Classification Sherloc (09022015). Collection method: clinical testing. Allele origin: germline.

Ambry Genetics
Classification: Uncertain significance for Hereditary cancer-predisposing syndrome. Last evaluated: 2024-07-17. Review status: criteria provided, single submitter. Criteria: Ambry Variant Classification Scheme 2023. Collection method: clinical testing. Allele origin: germline.
Comment: The c.2175-5T>C intronic variant results from a T to C substitution 5 nucleotides upstream from coding exon 13 in the PMS2 gene. This nucleotide position is well conserved in available vertebrate species. In silico splice site analysis predicts that this alteration will not have any significant effect on splicing. Based on the available evidence, the clinical significance of this variant remains unclear.